The following is an entry in ClinVar:

ClinVar aggregate classification (germline): Pathogenic. Review status: criteria provided, multiple submitters, no conflicts (2 of 4 stars). 2 submissions from 2 submitters: Pathogenic (2). Last evaluated 2026-07-16.

Conditions:
Hereditary cancer-predisposing syndrome. Also called: Neoplastic Syndromes, Hereditary; Tumor predisposition; Hereditary Cancer Syndrome; Hereditary neoplastic syndrome. Identifiers: Orphanet 140162, MedGen C0027672, MeSH D009386, MONDO:0015356.
Ataxia-telangiectasia syndrome (AT). Also called: Ataxia-telangiectasia, complementation group D; ATAXIA-TELANGIECTASIA, COMPLEMENTATION GROUP A; ATAXIA-TELANGIECTASIA, FRESNO VARIANT; Ataxia-telangiectasia; Ataxia telangiectasia (A-T); AT, COMPLEMENTATION GROUP C. Identifiers: Orphanet 100, MedGen C0004135, MONDO:0008840, OMIM 208900.

Submissions (2):

Ambry Genetics
Classification: Pathogenic for Hereditary cancer-predisposing syndrome. Last evaluated: 2026-07-16. Review status: criteria provided, single submitter. Criteria: Ambry Variant Classification Scheme 2023. Collection method: clinical testing. Allele origin: germline.
Comment: The c.4555delG pathogenic mutation, located in coding exon 29 of the ATM gene, results from a deletion of one nucleotide at nucleotide position 4555, causing a translational frameshift with a predicted alternate stop codon (p.V1519Lfs*24). This variant is considered to be rare based on population cohorts in the Genome Aggregation Database (gnomAD). This alteration is expected to result in loss of function by premature protein truncation or nonsense-mediated mRNA decay. As such, this alteration is interpreted as a disease-causing mutation.

Labcorp Genetics (formerly Invitae), Labcorp
Classification: Pathogenic for Ataxia-telangiectasia syndrome. Last evaluated: 2024-06-10. Review status: criteria provided, single submitter. Criteria: Invitae Variant Classification Sherloc (09022015). Collection method: clinical testing. Allele origin: germline.
Comment: This sequence change creates a premature translational stop signal (p.Val1519Leufs*24) in the ATM gene. It is expected to result in an absent or disrupted protein product. Loss-of-function variants in ATM are known to be pathogenic (PMID: 23807571, 25614872). This variant is not present in population databases (gnomAD no frequency). This variant has not been reported in the literature in individuals affected with ATM-related conditions. ClinVar contains an entry for this variant (Variation ID: 1072478). RNA analysis performed to evaluate the impact of this premature translational stop signal on mRNA splicing indicates it does not significantly alter splicing (Invitae). For these reasons, this variant has been classified as Pathogenic.

Literature cited by the submitters: PubMed 23807571 (cited by Labcorp Genetics (formerly Invitae), Labcorp); PubMed 25614872 (cited by Labcorp Genetics (formerly Invitae), Labcorp).

NM_000051.4(ATM):c.4555del (p.Val1519fs)

Gene: ATM (ATM serine/threonine kinase; plus strand). Cytogenetic location: 11q22.3.
Variant type: Deletion.
Coding change: c.4555del on transcript NM_000051.4 (MANE Select); coding-DNA position 4555, one base deleted (G; older notation c.4555delG).
Protein change: p.Val1519fs; shifts the reading frame from valine 1519.
Molecular consequence: frameshift variant.
Genome position (GRCh38, 1-based): chr11:108,292,737, G deleted. VCF-style (leftmost placement, unchanged base first): chr11-108292736-TG-T. GRCh37 (hg19) VCF-style: chr11-108163463-TG-T.
Other names: c.4555delG (NM_000051.3); c.4555del, p.Val1519fs (NM_001351834.2); short protein forms V1519fs.
Identifiers: ClinVar variation 1072478 (VCV001072478.8), dbSNP rs2135801094, ClinGen allele CA2499220640.